The following is an entry in ClinVar:

NM_000374.5(UROD):c.813G>T (p.Glu271Asp)

Gene: UROD (uroporphyrinogen decarboxylase; plus strand). Cytogenetic location: 1p34.1.
Variant type: single nucleotide variant.
Coding change: c.813G>T on transcript NM_000374.5 (MANE Select); coding-DNA position 813, G replaced by T.
Protein change: p.Glu271Asp; replaces glutamic acid 271 with aspartic acid.
Molecular consequence: missense variant. On other transcripts: non-coding transcript variant (3).
Genome position (GRCh38, 1-based): chr1:45,014,774, G>T. VCF-style: chr1-45014774-G-T. GRCh37 (hg19) VCF-style: chr1-45480446-G-T.
Other names: short protein forms E271D.
Identifiers: ClinVar variation 3681009 (VCV003681009.2).

ClinVar aggregate classification (germline): Uncertain significance (1 of 4 stars; one submission).

Submission:

Labcorp Genetics (formerly Invitae), Labcorp
Classification: Uncertain significance. Last evaluated: 2024-10-11. Review status: criteria provided, single submitter. Criteria: Invitae Variant Classification Sherloc (09022015). Collection method: clinical testing. Allele origin: germline.
Comment: This sequence change replaces glutamic acid, which is acidic and polar, with aspartic acid, which is acidic and polar, at codon 271 of the UROD protein (p.Glu271Asp). This variant is not present in population databases (gnomAD no frequency). This variant has not been reported in the literature in individuals affected with UROD-related conditions. Invitae Evidence Modeling of protein sequence and biophysical properties (such as structural, functional, and spatial information, amino acid conservation, physicochemical variation, residue mobility, and thermodynamic stability) indicates that this missense variant is not expected to disrupt UROD protein function with a negative predictive value of 80%. In summary, the available evidence is currently insufficient to determine the role of this variant in disease. Therefore, it has been classified as a Variant of Uncertain Significance.